The following is an entry in ClinVar:

ClinVar aggregate classification (germline): Uncertain significance (1 of 4 stars; one submission).

Allele frequency attached by ClinVar (database versions not stated): gnomAD exomes below 0.00001.
gnomAD v4.1: 5 of 1,614,222 alleles (0.00031%); highest among the groups gnomAD compares: Non-Finnish European, 0.00042%; no homozygotes.

Submission:

Labcorp Genetics (formerly Invitae), Labcorp
Classification: Uncertain significance. Last evaluated: 2024-01-06. Review status: criteria provided, single submitter. Criteria: Invitae Variant Classification Sherloc (09022015). Collection method: clinical testing. Allele origin: germline.
Comment: This sequence change replaces valine, which is neutral and non-polar, with leucine, which is neutral and non-polar, at codon 236 of the LIPG protein (p.Val236Leu). This variant is not present in population databases (gnomAD no frequency). This variant has not been reported in the literature in individuals affected with LIPG-related conditions. An algorithm developed to predict the effect of missense changes on protein structure and function (PolyPhen-2) suggests that this variant is likely to be disruptive. In summary, the available evidence is currently insufficient to determine the role of this variant in disease. Therefore, it has been classified as a Variant of Uncertain Significance.

NM_006033.4(LIPG):c.706G>C (p.Val236Leu)

Gene: LIPG (lipase G, endothelial type; plus strand). Cytogenetic location: 18q21.1.
Variant type: single nucleotide variant.
Coding change: c.706G>C on transcript NM_006033.4 (MANE Select); coding-DNA position 706, G replaced by C.
Protein change: p.Val236Leu; replaces valine 236 with leucine.
Molecular consequence: missense variant. On other transcripts: intron variant (1).
Genome position (GRCh38, 1-based): chr18:49,575,503, G>C. VCF-style: chr18-49575503-G-C. GRCh37 (hg19) VCF-style: chr18-47101873-G-C.
Other names: c.572-5912G>C (NM_001308006.2); short protein forms V236L.
Identifiers: ClinVar variation 3004070 (VCV003004070.3), dbSNP rs2511299419, ClinGen allele CA402419357.